The following is an entry in ClinVar:

NM_000103.4(CYP19A1):c.94_106dup (p.Leu36fs)

Genes: CYP19A1 (cytochrome P450 family 19 subfamily A member 1; minus strand), MIR4713HG (MIR4713 host gene; plus strand), PIRC66 (piwi-interacting RNA cluster 66; plus strand). Cytogenetic location: 15q21.2.
Variant type: Duplication.
Coding change: c.94_106dup on transcript NM_000103.4 (MANE Select); coding-DNA positions 94 to 106, 13 bases duplicated (ACTGGCCTTTTTC).
Protein change: p.Leu36fs; shifts the reading frame from leucine 36.
Molecular consequence: frameshift variant.
Genome position (GRCh38, 1-based): chr15:51,242,807-51,242,819, GAAAAAGGCCAGT duplicated on the plus strand (ACTGGCCTTTTTC on the coding strand, the reverse complement: CYP19A1 is on the minus strand); duplicating any 13 consecutive bases within chr15:51,242,807-51,242,821 gives the same sequence; the c. name uses the placement nearest the transcript's 3' end. VCF-style (leftmost placement, unchanged base first): chr15-51242806-A-AGAAAAAGGCCAGT. GRCh37 (hg19) VCF-style: chr15-51535003-A-AGAAAAAGGCCAGT.
Other names: c.94_106dup, p.Leu36fs (NM_001347248.1, NM_001347249.2, NM_001347250.2 and 7 more transcripts); short protein forms L36fs.
Identifiers: ClinVar variation 1074615 (VCV001074615.7), dbSNP rs2141123410, ClinGen allele CA2499223026.

ClinVar aggregate classification (germline): Pathogenic (1 of 4 stars; one submission).

Submission:

Labcorp Genetics (formerly Invitae), Labcorp
Classification: Pathogenic. Last evaluated: 2020-03-23. Review status: criteria provided, single submitter. Criteria: Invitae Variant Classification Sherloc (09022015). Collection method: clinical testing. Allele origin: germline.
Comment: This sequence change creates a premature translational stop signal (p.Leu36Hisfs*11) in the CYP19A1 gene. It is expected to result in an absent or disrupted protein product. This variant is not present in population databases (ExAC no frequency). This variant has not been reported in the literature in individuals with CYP19A1-related conditions. Loss-of-function variants in CYP19A1 are known to be pathogenic (PMID: 14602738, 27086564, 27256151). For these reasons, this variant has been classified as Pathogenic.

Literature cited by the submitters: PubMed 14602738; PubMed 27086564; PubMed 27256151.